The following is an entry in ClinVar:

NM_000091.5(COL4A3):c.4769G>A (p.Gly1590Asp)

Genes: COL4A3 (collagen type IV alpha 3 chain; plus strand), MFF-DT (MFF divergent transcript; minus strand). Cytogenetic location: 2q36.3.
Variant type: single nucleotide variant.
Coding change: c.4769G>A on transcript NM_000091.5 (MANE Select); coding-DNA position 4769, G replaced by A.
Protein change: p.Gly1590Asp; replaces glycine 1590 with aspartic acid.
Molecular consequence: missense variant.
Genome position (GRCh38, 1-based): chr2:227,310,789, G>A. VCF-style: chr2-227310789-G-A. GRCh37 (hg19) VCF-style: chr2-228175505-G-A.
Other names: short protein forms G1590D.
Identifiers: ClinVar variation 3147593 (VCV003147593.5), dbSNP rs749447224, ClinGen allele CA2147645.

ClinVar aggregate classification (germline): Uncertain significance. Review status: criteria provided, multiple submitters, no conflicts (2 of 4 stars). 3 submissions from 3 submitters: Uncertain significance (3). Last evaluated 2026-01-17.

Conditions:
Autosomal dominant Alport syndrome (ATS3A). Also called: Alport syndrome dominant type; Renal failure and sensorineural hearing loss; ALPORT SYNDROME 3A, AUTOSOMAL DOMINANT. Identifiers: Orphanet 63, Orphanet 88918, MedGen C5882663, MONDO:0007086, OMIM 104200.
Hematuria, benign familial, 2 (BFH2). Identifiers: MedGen C5830421, MONDO:0958186, OMIM 620320.
Alport syndrome 3b, autosomal recessive. Identifiers: MedGen C5882699, MONDO:0957811, OMIM 620536.
Inborn genetic diseases. Identifiers: MedGen C0950123, MeSH D030342.

Allele frequency attached by ClinVar (database versions not stated): gnomAD exomes 0.00001; ExAC 0.00002; TOPMed below 0.00001.
gnomAD v4.1: 7 of 1,614,118 alleles (0.00043%); highest among the groups gnomAD compares: East Asian, 0.016%; no homozygotes.

Submissions (3):

Labcorp Genetics (formerly Invitae), Labcorp
Classification: Uncertain significance. Last evaluated: 2026-01-17. Review status: criteria provided, single submitter. Criteria: Invitae Variant Classification Sherloc (09022015). Collection method: clinical testing. Allele origin: germline.
Comment: This sequence change replaces glycine, which is neutral and non-polar, with aspartic acid, which is acidic and polar, at codon 1590 of the COL4A3 protein (p.Gly1590Asp). This variant is present in population databases (rs749447224, gnomAD 0.05%). This variant has not been reported in the literature in individuals affected with COL4A3-related conditions. ClinVar contains an entry for this variant (Variation ID: 3147593). Invitae Evidence Modeling of protein sequence and biophysical properties (such as structural, functional, and spatial information, amino acid conservation, physicochemical variation, residue mobility, and thermodynamic stability) has been performed for this missense variant. However, the output from this modeling did not meet the statistical confidence thresholds required to predict the impact of this variant on COL4A3 protein function. In summary, the available evidence is currently insufficient to determine the role of this variant in disease. Therefore, it has been classified as a Variant of Uncertain Significance.

Ambry Genetics
Classification: Uncertain significance for Inborn genetic diseases. Last evaluated: 2023-10-20. Review status: criteria provided, single submitter. Criteria: Ambry Variant Classification Scheme 2023. Collection method: clinical testing. Allele origin: germline.

Juno Genomics, Hangzhou Juno Genomics, Inc
Classification: Uncertain significance for Autosomal dominant Alport syndrome; Alport syndrome 3b, autosomal recessive; Hematuria, benign familial, 2. Review status: criteria provided, single submitter. Criteria: ACMG Guidelines, 2015. Collection method: clinical testing. Allele origin: germline.
Comment: Absent from controls (or at extremely low frequency if recessive) in Genome Aggregation Database.;Multiple lines of computational evidence support a deleterious effect on the gene or gene product.